The following is an entry in ClinVar:

NM_006005.3(WFS1):c.861+2T>C

Gene: WFS1 (wolframin ER transmembrane glycoprotein; plus strand). Cytogenetic location: 4p16.1.
Variant type: single nucleotide variant.
Coding change: c.861+2T>C on transcript NM_006005.3 (MANE Select); the canonical splice donor site of the intron after coding-DNA position 861, T replaced by C.
Molecular consequence: splice donor variant.
Genome position (GRCh38, 1-based): chr4:6,295,191, T>C. VCF-style: chr4-6295191-T-C. GRCh37 (hg19) VCF-style: chr4-6296918-T-C.
Other names: c.861+2T>C (NM_001145853.1).
Identifiers: ClinVar variation 872208 (VCV000872208.42), dbSNP rs1730600472, ClinGen allele CA356172692.

ClinVar aggregate classification (germline): Pathogenic. Review status: criteria provided, multiple submitters, no conflicts (2 of 4 stars). 2 submissions from 2 submitters: Pathogenic (2). Last evaluated 2018-04-01.

Conditions:
Wolfram syndrome 1 (WFS1). Identifiers: Orphanet 3463, MedGen C4551693, MONDO:0009101, OMIM 222300.

Submissions (2):

CeGaT Center for Human Genetics Tuebingen
Classification: Pathogenic. Last evaluated: 2018-04-01. Review status: criteria provided, single submitter. Criteria: CeGaT Center For Human Genetics Tuebingen Variant Classification Criteria Version 2. Collection method: clinical testing. Allele origin: germline. Affected: yes. Observed: 1 variant allele.

Clinical Genomics, Uppaluri K&H Personalized Medicine Clinic
Classification: Pathogenic for Wolfram syndrome 1. Review status: criteria provided, single submitter. Criteria: K & H Uppaluri Personalized Medicine Clinic Variant Classification & Assertion Criteria_Updated V.1. Collection method: research. Allele origin: unknown. Inheritance: Autosomal recessive inheritance.
Comment: Potent mutations in WFS1 gene are associated with Wolfram's syndrome, an autosomal recessive condition, which cause diabetes mellitus, diabetes insipidus, deafness and optic atrophy.However no sufficient evidence is found to ascertain the role of this particular variant rs1730600472 in Wolfram's syndrome yet.

Literature cited by the submitters: PubMed 20738327 (cited by Clinical Genomics, Uppaluri K&H Personalized Medicine Clinic); PubMed 33879153 (cited by Clinical Genomics, Uppaluri K&H Personalized Medicine Clinic); PubMed 12955714 (cited by Clinical Genomics, Uppaluri K&H Personalized Medicine Clinic); PubMed 18060660 (cited by Clinical Genomics, Uppaluri K&H Personalized Medicine Clinic); PubMed 20301750 (cited by Clinical Genomics, Uppaluri K&H Personalized Medicine Clinic); PubMed 17603484 (cited by Clinical Genomics, Uppaluri K&H Personalized Medicine Clinic).